The following is an entry in ClinVar:

NM_004415.4(DSP):c.3277G>A (p.Ala1093Thr)

Gene: DSP (desmoplakin; plus strand). Cytogenetic location: 6p24.3.
Variant type: single nucleotide variant.
Coding change: c.3277G>A on transcript NM_004415.4 (MANE Select); coding-DNA position 3277, G replaced by A.
Protein change: p.Ala1093Thr; replaces alanine 1093 with threonine.
Molecular consequence: missense variant.
Genome position (GRCh38, 1-based): chr6:7,579,467, G>A. VCF-style: chr6-7579467-G-A. GRCh37 (hg19) VCF-style: chr6-7579700-G-A.
Other names: c.3277G>A (LRG_423t1); c.3277G>A, p.Ala1093Thr (NM_001008844.3, NM_001319034.2); short protein forms A1093T.
Identifiers: ClinVar variation 432051 (VCV000432051.19), dbSNP rs1185986064, ClinGen allele CA362683508.

ClinVar aggregate classification (germline): Uncertain significance. Review status: criteria provided, multiple submitters, no conflicts (2 of 4 stars). 5 submissions from 5 submitters: Uncertain significance (5). Last evaluated 2024-03-06.

Conditions:
Arrhythmogenic right ventricular dysplasia 8 (ARVD8). Also called: Arrhythmogenic Right Ventricular Dysplasia/Cardiomyopathy 8; ARRHYTHMOGENIC RIGHT VENTRICULAR DYSPLASIA, FAMILIAL, 8; ARRHYTHMOGENIC RIGHT VENTRICULAR CARDIOMYOPATHY 8. Identifiers: MedGen C1843896, MONDO:0011831, OMIM 607450.
Arrhythmogenic cardiomyopathy with wooly hair and keratoderma. Also called: Carvajal syndrome; Arrhythmogenic cardiomyopathy with woolly hair and keratoderma; PALMOPLANTAR KERATODERMA WITH LEFT VENTRICULAR CARDIOMYOPATHY AND WOOLLY HAIR; Dilated cardiomyopathy with woolly hair and keratoderma. Identifiers: Orphanet 65282, MedGen C1854063, MONDO:0011581, OMIM 605676.
Cardiomyopathy (CMYO). Also called: Cardiomyopathies. Identifiers: Orphanet 167848, MedGen C0878544, MONDO:0004994, HP:0001638. Inheritance: Various modes of inheritance.
Cardiovascular phenotype. Identifiers: MedGen CN230736.

Allele frequency attached by ClinVar (database versions not stated): gnomAD 0.00001; gnomAD exomes 0.00001; TOPMed 0.00001.

Submissions (5):

Color Diagnostics, LLC DBA Color Health
Classification: Uncertain significance for Cardiomyopathy. Last evaluated: 2024-03-06. Review status: criteria provided, single submitter. Criteria: ACMG Guidelines, 2015. Collection method: clinical testing. Allele origin: germline.
Comment: This missense variant replaces alanine with threonine at codon 1093 of the DSP protein. Computational prediction suggests that this variant may not impact protein structure and function (internally defined REVEL score threshold <= 0.5, PMID: 27666373). To our knowledge, functional studies have not been reported for this variant. This variant has not been reported in individuals affected with cardiovascular disorders in the literature. This variant has not been identified in the general population by the Genome Aggregation Database (gnomAD). The available evidence is insufficient to determine the role of this variant in disease conclusively. Therefore, this variant is classified as a Variant of Uncertain Significance.

Labcorp Genetics (formerly Invitae), Labcorp
Classification: Uncertain significance for Arrhythmogenic cardiomyopathy with wooly hair and keratoderma; Arrhythmogenic right ventricular dysplasia 8. Last evaluated: 2023-10-13. Review status: criteria provided, single submitter. Criteria: Invitae Variant Classification Sherloc (09022015). Collection method: clinical testing. Allele origin: germline.
Comment: This sequence change replaces alanine, which is neutral and non-polar, with threonine, which is neutral and polar, at codon 1093 of the DSP protein (p.Ala1093Thr). This variant is not present in population databases (gnomAD no frequency). This variant has not been reported in the literature in individuals affected with DSP-related conditions. ClinVar contains an entry for this variant (Variation ID: 432051). An algorithm developed to predict the effect of missense changes on protein structure and function (PolyPhen-2) suggests that this variant is likely to be tolerated. In summary, the available evidence is currently insufficient to determine the role of this variant in disease. Therefore, it has been classified as a Variant of Uncertain Significance.

All of Us Research Program, National Institutes of Health
Classification: Uncertain significance for Arrhythmogenic cardiomyopathy with wooly hair and keratoderma. Last evaluated: 2023-08-15. Review status: criteria provided, single submitter. Criteria: ACMG Guidelines, 2015. Collection method: clinical testing. Allele origin: germline. Inheritance: Autosomal dominant inheritance. Observed: 2 variant alleles, 2 heterozygotes.
Comment: This missense variant replaces alanine with threonine at codon 1093 of the DSP protein. Computational prediction suggests that this variant may not impact protein structure and function (internally defined REVEL score threshold <= 0.5, PMID: 27666373). To our knowledge, functional studies have not been reported for this variant. This variant has not been reported in individuals affected with cardiovascular disorders in the literature. This variant has not been identified in the general population by the Genome Aggregation Database (gnomAD). The available evidence is insufficient to determine the role of this variant in disease conclusively. Therefore, this variant is classified as a Variant of Uncertain Significance.

This study involves interpretation of variants in research participants for the purpose of population health screening. Participant phenotype was not available at the time of variant classification. Additional details can be found in publication PMID: 35346344, PMCID: PMC8962531

Ambry Genetics
Classification: Uncertain significance for Cardiovascular phenotype. Last evaluated: 2019-11-12. Review status: criteria provided, single submitter. Criteria: Ambry Variant Classification Scheme 2023. Collection method: clinical testing. Allele origin: germline.
Comment: The p.A1093T variant (also known as c.3277G>A), located in coding exon 23 of the DSP gene, results from a G to A substitution at nucleotide position 3277. The alanine at codon 1093 is replaced by threonine, an amino acid with similar properties. This amino acid position is well conserved in available vertebrate species. In addition, the in silico prediction for this alteration is inconclusive. Since supporting evidence is limited at this time, the clinical significance of this alteration remains unclear.

GeneDx
Classification: Uncertain significance. Last evaluated: 2018-10-18. Review status: criteria provided, single submitter. Criteria: GeneDx Variant Classification (06012015). Collection method: clinical testing. Allele origin: germline. Affected: yes.
Comment: A variant of uncertain significance has been identified in the DSP gene. The A1093T variant has not been published as pathogenic or been reported as benign to our knowledge. This variant is not observed in large population cohorts (Lek et al., 2016). The A1093T variant is a non-conservative amino acid substitution, which is likely to impact secondary protein structure as these residues differ in polarity, charge, size and/or other properties. However, in-silico analyses, including protein predictors and evolutionary conservation, support that this variant does not alter protein structure/function.Therefore, based on the currently available information, it is unclear whether this variant is pathogenic or benign.